The following is an entry in ClinVar:

NM_201596.3(CACNB2):c.1302+15_1302+18del

Gene: CACNB2 (calcium voltage-gated channel auxiliary subunit beta 2; plus strand). Cytogenetic location: 10p12.31.
Variant type: Microsatellite.
Coding change: c.1302+15_1302+18del on transcript NM_201596.3 (MANE Select); bases 15 to 18 of the intron after coding-DNA position 1302, 4 bases deleted (TATA; older notation c.1302+15_1302+18delTATA).
Molecular consequence: intron variant.
Genome position (GRCh38, 1-based): chr10:18,536,211-18,536,214, TATA deleted; deleting any 4 consecutive bases within chr10:18,536,209-18,536,214 gives the same sequence; the c. name uses the placement nearest the transcript's 3' end. VCF-style (leftmost placement, unchanged base first): chr10-18536208-CTATA-C. GRCh37 (hg19) VCF-style: chr10-18825137-CTATA-C.
Other names: c.1218+15_1218+18del (NM_201571.4); c.1104+15_1104+18del (NM_001167945.2); c.1146+15_1146+18del (NM_201572.4); c.1188+15_1188+18del (NM_201593.3); c.1230+15_1230+18del (NM_201597.3); c.1137+15_1137+18del (NM_000724.4); c.1023+15_1023+18del (NM_001330060.2); c.1140+15_1140+18del (NM_201590.3); and 2 more.
Identifiers: ClinVar variation 421844 (VCV000421844.4), dbSNP rs1064795398, ClinGen allele CA16618947.
Genomic context (GRCh38, chr10:18,536,208, plus strand): 5'-CCTCAACGTCCAGATGGTAGCAGCTGATAAACTGGCTCAGTGTCCTCCAGTAAGTTATCT[CTATA>C]TACAGCATAATCCAGTTACAGAGATCAGACCTTTTTTTTTTTTTTTTTTTTTTTTTTTTT-3'

ClinVar aggregate classification (germline): Likely benign. Review status: criteria provided, multiple submitters, no conflicts (2 of 4 stars). 2 submissions from 2 submitters: Likely benign (2). Last evaluated 2025-09-22.

Conditions:
Brugada syndrome 4 (BRGDA4). Identifiers: Orphanet 130, MedGen C2678477, MONDO:0012743, OMIM 611876.

Submissions (2):

Labcorp Genetics (formerly Invitae), Labcorp
Classification: Likely benign for Brugada syndrome 4. Last evaluated: 2025-09-22. Review status: criteria provided, single submitter. Criteria: Invitae Variant Classification Sherloc (09022015). Collection method: clinical testing. Allele origin: germline.

GeneDx
Classification: Likely benign. Last evaluated: 2016-08-10. Review status: criteria provided, single submitter. Criteria: GeneDx Variant Classification (06012015). Collection method: clinical testing. Allele origin: germline. Affected: yes.
Comment: This variant is considered likely benign or benign based on one or more of the following criteria: it is a conservative change, it occurs at a poorly conserved position in the protein, it is predicted to be benign by multiple in silico algorithms, and/or has population frequency not consistent with disease.